The following is an entry in ClinVar:

NM_014269.4(ADAM29):c.2295C>T (p.Pro765=)

Gene: ADAM29 (ADAM metallopeptidase domain 29; plus strand). Cytogenetic location: 4q34.1.
Variant type: single nucleotide variant.
Coding change: c.2295C>T on transcript NM_014269.4 (MANE Select); coding-DNA position 2295, C replaced by T.
Protein change: p.Pro765=; no amino-acid change (proline 765 retained).
Molecular consequence: synonymous variant.
Genome position (GRCh38, 1-based): chr4:174,977,820, C>T. VCF-style: chr4-174977820-C-T. GRCh37 (hg19) VCF-style: chr4-175898971-C-T.
Other names: c.2295C>T, p.Pro765= (NM_001130703.1, NM_001130704.1, NM_001130705.1 and 3 more transcripts).
Identifiers: ClinVar variation 2655193 (VCV002655193.24), dbSNP rs566589043, ClinGen allele CA3143305.

ClinVar aggregate classification (germline): Likely benign (1 of 4 stars; one submission).

Allele frequency attached by ClinVar (database versions not stated): ExAC 0.00005; 1000 Genomes Project 30x 0.00203; 1000 Genomes Project 0.01298.

Submission:

CeGaT Center for Human Genetics Tuebingen
Classification: Likely benign. Last evaluated: 2024-02-01. Review status: criteria provided, single submitter. Criteria: CeGaT Center For Human Genetics Tuebingen Variant Classification Criteria Version 2. Collection method: clinical testing. Allele origin: germline. Affected: yes. Observed: 2 variant alleles.
Comment: ADAM29: BP4, BP7